The following is an entry in ClinVar:

ClinVar aggregate classification (germline): Pathogenic/Likely pathogenic. Review status: criteria provided, multiple submitters, no conflicts (2 of 4 stars). 3 submissions from 3 submitters: Pathogenic (2); Likely pathogenic (1). Last evaluated 2025-09-08.

Conditions:
Fumarase deficiency (FMRD). Also called: Fumarate Hydratase Deficiency; Fumaric aciduria. Identifiers: Orphanet 24, MedGen C0342770, MONDO:0011730, OMIM 606812.
Hereditary cancer-predisposing syndrome. Also called: Tumor predisposition; Neoplastic Syndromes, Hereditary; Hereditary Cancer Syndrome; Hereditary neoplastic syndrome. Identifiers: Orphanet 140162, MedGen C0027672, MeSH D009386, MONDO:0015356.

Submissions (3):

Ambry Genetics
Classification: Pathogenic for Hereditary cancer-predisposing syndrome. Last evaluated: 2025-09-08. Review status: criteria provided, single submitter. Criteria: Ambry Variant Classification Scheme 2023. Collection method: clinical testing. Allele origin: germline.
Comment: The c.839delG pathogenic mutation, located in coding exon 6 of the FH gene, results from a deletion of one nucleotide at nucleotide position 839, causing a translational frameshift with a predicted alternate stop codon (p.G280Vfs*4). This variant is considered to be rare based on population cohorts in the Genome Aggregation Database (gnomAD). This alteration is expected to result in loss of function by premature protein truncation or nonsense-mediated mRNA decay. As such, this alteration is interpreted as a disease-causing mutation.

Labcorp Genetics (formerly Invitae), Labcorp
Classification: Pathogenic. Last evaluated: 2025-05-21. Review status: criteria provided, single submitter. Criteria: Invitae Variant Classification Sherloc (09022015). Collection method: clinical testing. Allele origin: germline.
Comment: This sequence change creates a premature translational stop signal (p.Gly280Valfs*4) in the FH gene. It is expected to result in an absent or disrupted protein product. Loss-of-function variants in FH are known to be pathogenic (PMID: 11865300, 21398687). This variant is not present in population databases (gnomAD no frequency). This variant has not been reported in the literature in individuals affected with FH-related conditions. ClinVar contains an entry for this variant (Variation ID: 2675690). For these reasons, this variant has been classified as Pathogenic.

Baylor Genetics
Classification: Likely pathogenic for Fumarase deficiency. Last evaluated: 2022-08-22. Review status: criteria provided, single submitter. Criteria: ACMG Guidelines, 2015. Collection method: clinical testing. Allele origin: unknown.

Literature cited by the submitters: PubMed 11865300 (cited by Labcorp Genetics (formerly Invitae), Labcorp); PubMed 21398687 (cited by Labcorp Genetics (formerly Invitae), Labcorp).

NM_000143.4(FH):c.839del (p.Gly280fs)

Gene: FH (fumarate hydratase; minus strand). Cytogenetic location: 1q43.
Variant type: Deletion.
Coding change: c.839del on transcript NM_000143.4 (MANE Select); coding-DNA position 839, one base deleted (G; older notation c.839delG).
Protein change: p.Gly280fs; shifts the reading frame from glycine 280.
Molecular consequence: frameshift variant.
Genome position (GRCh38, 1-based): chr1:241,506,068, C deleted on the plus strand (G on the coding strand, the reverse complement: FH is on the minus strand); the first of 2 consecutive C bases (chr1:241,506,068-241,506,069); deleting either gives the same sequence. VCF-style (leftmost placement, unchanged base first): chr1-241506067-AC-A. GRCh37 (hg19) VCF-style: chr1-241669367-AC-A.
Other names: c.839delG (NM_000143.3); short protein forms G280fs.
Identifiers: ClinVar variation 2675690 (VCV002675690.3), dbSNP rs2527322866, ClinGen allele CA2695200398.